The following is an entry in ClinVar:

NM_177438.3(DICER1):c.3692C>T (p.Pro1231Leu)

Gene: DICER1 (dicer 1, ribonuclease III; minus strand). Cytogenetic location: 14q32.13.
Variant type: single nucleotide variant.
Coding change: c.3692C>T on transcript NM_177438.3 (MANE Select); coding-DNA position 3692, C replaced by T.
Protein change: p.Pro1231Leu; replaces proline 1231 with leucine.
Molecular consequence: missense variant. On other transcripts: non-coding transcript variant (6).
Genome position (GRCh38, 1-based): chr14:95,103,704, G>A on the plus strand (C>T on the coding strand, the complement: DICER1 is on the minus strand). VCF-style: chr14-95103704-G-A. GRCh37 (hg19) VCF-style: chr14-95570041-G-A.
Other names: c.3692C>T, p.Pro1231Leu (NM_001195573.1, NM_001271282.3, NM_001291628.2 and 13 more transcripts); c.3410C>T, p.Pro1137Leu (NM_001395686.1); c.3287C>T, p.Pro1096Leu (NM_001395687.1, NM_001395688.1, NM_001395689.1 and 2 more transcripts); c.3125C>T, p.Pro1042Leu (NM_001395691.1); c.2009C>T, p.Pro670Leu (NM_001395697.1); short protein forms P1137L, P1042L, P1096L, P1231L, P670L.
Identifiers: ClinVar variation 2451740 (VCV002451740.2), dbSNP rs2139962032, ClinGen allele CA390874332.

ClinVar aggregate classification (germline): Uncertain significance (1 of 4 stars; one submission).

Conditions:
Hereditary cancer-predisposing syndrome. Also called: Neoplastic Syndromes, Hereditary; Tumor predisposition; Hereditary neoplastic syndrome; Hereditary Cancer Syndrome. Identifiers: Orphanet 140162, MedGen C0027672, MeSH D009386, MONDO:0015356.

Submission:

Ambry Genetics
Classification: Uncertain significance for Hereditary cancer-predisposing syndrome. Last evaluated: 2023-03-06. Review status: criteria provided, single submitter. Criteria: Ambry Variant Classification Scheme 2023. Collection method: clinical testing. Allele origin: germline.
Comment: The p.P1231L variant (also known as c.3692C>T), located in coding exon 20 of the DICER1 gene, results from a C to T substitution at nucleotide position 3692. The proline at codon 1231 is replaced by leucine, an amino acid with similar properties. This amino acid position is conserved. In addition, the in silico prediction for this alteration is inconclusive. Since supporting evidence is limited at this time, the clinical significance of this alteration remains unclear.